The following is an entry in ClinVar:

ClinVar aggregate classification (germline): Uncertain significance (1 of 4 stars; one submission).

Conditions:
Mucopolysaccharidosis, MPS-IV-A (MPS4A). Also called: Mucopolysaccharidosis type IV A; Mucopolysaccharidosis Type IVA; Morquio syndrome A, mild; MORQUIO SYNDROME A; MPS IVA; mucopolysaccharidosis type 4A. Identifiers: Orphanet 309297, Orphanet 582, MedGen C0086651, MONDO:0009659, OMIM 253000.

Allele frequency attached by ClinVar (database versions not stated): TOPMed below 0.00001.
gnomAD v4.1: 1 of 1,601,570 alleles (0.000062%); highest among the groups gnomAD compares: Non-Finnish European, 0.000085%; no homozygotes.

Submission:

Laboratory of Diagnosis and Therapy of Lysosomal Disorders, University of Padova
Classification: Uncertain significance for Mucopolysaccharidosis, MPS-IV-A. Last evaluated: 2021-02-01. Review status: criteria provided, single submitter. Criteria: ACMG Guidelines, 2015. Collection method: research. Allele origin: germline. Affected: yes.
Comment: Absent from gnomAD v2.1.1 (PM2_moderate); multiple lines of computational evidence support a deleterious effect on the gene (PP3_supporting)

Literature cited by the submitters: PubMed 34387910.

NM_000512.5(GALNS):c.869G>A (p.Gly290Asp)

Gene: GALNS (galactosamine (N-acetyl)-6-sulfatase; minus strand). Cytogenetic location: 16q24.3.
Variant type: single nucleotide variant.
Coding change: c.869G>A on transcript NM_000512.5 (MANE Select); coding-DNA position 869, G replaced by A.
Protein change: p.Gly290Asp; replaces glycine 290 with aspartic acid.
Molecular consequence: missense variant.
Genome position (GRCh38, 1-based): chr16:88,835,242, C>T on the plus strand (G>A on the coding strand, the complement: GALNS is on the minus strand). VCF-style: chr16-88835242-C-T. GRCh37 (hg19) VCF-style: chr16-88901650-C-T.
Other names: c.314G>A, p.Gly105Asp (NM_001323543.2); c.887G>A, p.Gly296Asp (NM_001323544.2); short protein forms G105D, G290D, G296D.
Identifiers: ClinVar variation 1048429 (VCV001048429.3), dbSNP rs1214775986, ClinGen allele CA397076024.